The following is an entry in ClinVar:

NM_004958.4(MTOR):c.4487A>T (p.Gln1496Leu)

Gene: MTOR (mechanistic target of rapamycin kinase; minus strand). Cytogenetic location: 1p36.22.
Variant type: single nucleotide variant.
Coding change: c.4487A>T on transcript NM_004958.4 (MANE Select); coding-DNA position 4487, A replaced by T.
Protein change: p.Gln1496Leu; replaces glutamine 1496 with leucine.
Molecular consequence: missense variant.
Genome position (GRCh38, 1-based): chr1:11,150,209, T>A on the plus strand (A>T on the coding strand, the complement: MTOR is on the minus strand). VCF-style: chr1-11150209-T-A. GRCh37 (hg19) VCF-style: chr1-11210266-T-A.
Other names: c.4487A>T, p.Gln1496Leu (NM_001386500.1); c.3239A>T, p.Gln1080Leu (NM_001386501.1); short protein forms Q1080L, Q1496L.
Identifiers: ClinVar variation 2089078 (VCV002089078.4), dbSNP rs1441021703, ClinGen allele CA338369903.
Genomic context (GRCh38, chr1:11,150,209, plus strand): 5'-GCCATCCGGGCCATCTTGGCTTGGGTCTCATCATTAACCAGGGTCCACTTTTCACAGCAC[T>A]GCTGGTGGAGTTGACCCCTGAAGAAAATGAATTATATAGTCAGATTAATCCAAATCTCCT-3'
Protein context (NP_004949.1, residues 1486-1506): ALGEWGQLHQ[Gln1496Leu]CCEKWTLVND

ClinVar aggregate classification (germline): Uncertain significance (1 of 4 stars; one submission).

Allele frequency attached by ClinVar (database versions not stated): gnomAD exomes 0.00001; TOPMed 0.00002; gnomAD 0.00003.
gnomAD v4.1: 7 of 1,613,876 alleles (0.00043%); highest among the groups gnomAD compares: East Asian, 0.016%; no homozygotes.

Submission:

Labcorp Genetics (formerly Invitae), Labcorp
Classification: Uncertain significance. Last evaluated: 2023-05-16. Review status: criteria provided, single submitter. Criteria: Invitae Variant Classification Sherloc (09022015). Collection method: clinical testing. Allele origin: germline.
Comment: In summary, the available evidence is currently insufficient to determine the role of this variant in disease. Therefore, it has been classified as a Variant of Uncertain Significance. Advanced modeling of protein sequence and biophysical properties (such as structural, functional, and spatial information, amino acid conservation, physicochemical variation, residue mobility, and thermodynamic stability) performed at Invitae indicates that this missense variant is not expected to disrupt MTOR protein function. ClinVar contains an entry for this variant (Variation ID: 2089078). This variant has not been reported in the literature in individuals affected with MTOR-related conditions. This variant is present in population databases (no rsID available, gnomAD 0.006%). This sequence change replaces glutamine, which is neutral and polar, with leucine, which is neutral and non-polar, at codon 1496 of the MTOR protein (p.Gln1496Leu).